The following is an entry in ClinVar:

ClinVar aggregate classification (germline): Uncertain significance. Review status: criteria provided, multiple submitters, no conflicts (2 of 4 stars). 9 submissions from 9 submitters: Uncertain significance (7). 2 of the submissions do not count toward it. Last evaluated 2026-06-22.

Conditions:
Congenital bilateral aplasia of vas deferens from CFTR mutation (CBAVD). Identifiers: Orphanet 48, MedGen C0403814, MONDO:0010178, OMIM 277180. Disease mechanism: loss of function.
Cystic fibrosis (CF). Also called: MUCOVISCIDOSIS. Identifiers: Orphanet 586, MedGen C0010674, MONDO:0009061, OMIM 219700. Disease mechanism: loss of function.
Bronchiectasis with or without elevated sweat chloride 1 (BESC1). Also called: Cystic Fibrosis-Like Syndrome. Identifiers: Orphanet 60033, MedGen C2749757, MONDO:0008887, OMIM 211400.
Hereditary pancreatitis (PCTT). Also called: Hereditary chronic pancreatitis; PRSS1-Related Hereditary Pancreatitis. Identifiers: Orphanet 676, MedGen C0238339, MONDO:0008185, OMIM 167800.
CFTR-related disorder (CFTR-RD). Also called: CFTR-related condition; CFTR-related disorders. Identifiers: MedGen C5924204, MONDO:7770004.

Allele frequency attached by ClinVar (database versions not stated): gnomAD exomes 0.00001; TOPMed 0.00002; gnomAD 0.00001.
gnomAD v4.1: 22 of 1,609,132 alleles (0.0014%); highest among the groups gnomAD compares: Admixed American, 0.0033%; no homozygotes.

Submissions (9):

Women's Health and Genetics/Laboratory Corporation of America, LabCorp
Classification: Uncertain significance. Last evaluated: 2026-06-22. Review status: criteria provided, single submitter. Criteria: LabCorp Variant Classification Summary - May 2015. Collection method: clinical testing. Allele origin: germline.
Comment: Variant summary: CFTR c.3380G>A (p.Gly1127Glu) results in a non-conservative amino acid change located in the ABC transporter type 1, transmembrane domain (IPR011527) of the encoded protein sequence. Algorithms developed to predict the effect of missense changes on protein structure and function all suggest that this variant is likely to be disruptive. The variant was absent in 251028 control chromosomes (gnomAD). The available data on variant occurrences in the general population are insufficient to allow any conclusion about variant significance. c.3380G>A has been reported in the literature in asymptomatic individuals (e.g., Chen_2001, Oca_2009, Claustres_2017), individuals identified by newborn screening (e.g., Girardet_2007), and an individual potentially affected with Cystic Fibrosis/cystic fibrosis-related disease (e.g., Hammerle_2001), however without strong evidence for causality (i.e., lack of co-occurrence, co-segregation, and clinical data). These reports therefore do not provide unequivocal conclusions about association of the variant with Cystic Fibrosis. To our knowledge, no experimental evidence demonstrating an impact on protein function has been reported. The following publications have been ascertained in the context of this evaluation (PMID: 11504857, 28603918, 17850636, 11278813, 19833837). ClinVar contains an entry for this variant (Variation ID: 551560). Based on the evidence outlined above, the variant was classified as uncertain significance.

Johns Hopkins Genomics, Johns Hopkins University
Classification: Uncertain significance for Cystic fibrosis. Last evaluated: 2024-03-01. Review status: criteria provided, single submitter. Criteria: ACMG Guidelines, 2015. Collection method: clinical testing. Allele origin: germline.
Comment: This CFTR missense variant (rs1434504483) is rare (<0.1%) in a large population dataset (gnomADv4.0.0: 22/1609132 total alleles; 0.001%; no homozygotes) and has an entry in ClinVar (Variation ID: 551560). It has not been reported in the literature in individuals with cystic fibrosis, to our knowledge. BayPR, an algorithm developed and validated by the CFTR2 project that uses population data to assign disease liability to variants, predicts that this variant is not likely to be CF-causing (<50% probability of being CF-causing). Of two bioinformatics tools queried, one predicts that this substitution would be damaging, while the other predicts that it would be tolerated. The glycine residue at this position is evolutionarily conserved across most of the species assessed. Due to insufficient evidence that this variant is CF-causing, we consider the clinical significance of CFTR c.3380G>A to be uncertain at this time.

Ambry Genetics
Classification: Uncertain significance for Cystic fibrosis. Last evaluated: 2022-12-30. Review status: criteria provided, single submitter. Criteria: Ambry Variant Classification Scheme 2023. Collection method: clinical testing. Allele origin: germline.
Comment: The p.G1127E variant (also known as c.3380G>A), located in coding exon 21 of the CFTR gene, results from a G to A substitution at nucleotide position 3380. The glycine at codon 1127 is replaced by glutamic acid, an amino acid with similar properties. This amino acid position is highly conserved in available vertebrate species. In addition, this alteration is predicted to be deleterious by in silico analysis. Since supporting evidence is limited at this time, the clinical significance of this alteration remains unclear.

ARUP Laboratories, Molecular Genetics and Genomics, ARUP Laboratories
Classification: Uncertain significance. Last evaluated: 2022-12-20. Review status: criteria provided, single submitter. Criteria: ARUP Molecular Germline Variant Investigation Process 2024. Collection method: clinical testing. Allele origin: germline.
Comment: The CFTR c.3380G>A; p.Gly1127Glu variant (rs1434504483) is reported in an asymptomatic individual who carries the 3849+10kbC>T (also known as c.3718-2477C>T) CF-causing variant in trans (Oca 2009), and is reported in a carrier with pancreatic sufficiency and no pulmonary symptoms (see link to Cystic Fibrosis Mutation Database). The p.Gly1127Glu variant is also reported in ClinVar (Variation ID: 551560). It is absent from the Genome Aggregation Database, indicating it is not a common polymorphism. Computational analyses predict that this variant is deleterious (REVEL: 0.828). Due to limited information, the clinical significance of this variant is uncertain at this time. References: Link to Cystic Fibrosis Mutation Database: Oca F et al. fluid digestive enzyme analysis is useful for identifying CFTR gene mutations of unclear significance. Clin Chem. 2009 Dec;55(12):2214-7. PMID: 19833837.

Labcorp Genetics (formerly Invitae), Labcorp
Classification: Uncertain significance for Cystic fibrosis. Last evaluated: 2022-08-08. Review status: criteria provided, single submitter. Criteria: Invitae Variant Classification Sherloc (09022015). Collection method: clinical testing. Allele origin: germline.
Comment: This sequence change replaces glycine, which is neutral and non-polar, with glutamic acid, which is acidic and polar, at codon 1127 of the CFTR protein (p.Gly1127Glu). This variant is not present in population databases (gnomAD no frequency). This variant has not been reported in the literature in individuals affected with CFTR-related conditions. ClinVar contains an entry for this variant (Variation ID: 551560). Algorithms developed to predict the effect of missense changes on protein structure and function are either unavailable or do not agree on the potential impact of this missense change (SIFT: "Tolerated"; PolyPhen-2: "Possibly Damaging"; Align-GVGD: "Class C0"). In summary, the available evidence is currently insufficient to determine the role of this variant in disease. Therefore, it has been classified as a Variant of Uncertain Significance.

Genome-Nilou Lab
Classification: Uncertain significance for Cystic fibrosis. Last evaluated: 2021-09-05. Review status: criteria provided, single submitter. Criteria: ACMG Guidelines, 2015. Collection method: clinical testing. Allele origin: germline. Affected: no.

Fulgent Genetics
Classification: Uncertain significance for Hereditary pancreatitis; Bronchiectasis with or without elevated sweat chloride 1; Cystic fibrosis; Congenital bilateral aplasia of vas deferens from CFTR mutation. Last evaluated: 2021-08-16. Review status: criteria provided, single submitter. Criteria: ACMG Guidelines, 2015. Collection method: clinical testing. Allele origin: unknown.

Natera, Inc.
Classification: Uncertain significance for CFTR-related disorders. Last evaluated: 2019-01-19. Review status: no assertion criteria provided. Collection method: clinical testing. Allele origin: germline. Not counted in ClinVar's aggregate classification.

Counsyl
Classification: Uncertain significance for Cystic fibrosis. Last evaluated: 2017-04-18. Review status: no assertion criteria provided. Collection method: clinical testing. Allele origin: unknown. Not counted in ClinVar's aggregate classification.

Literature cited by the submitters: PubMed 19833837 (cited by Women's Health and Genetics/Laboratory Corporation of America, LabCorp and Johns Hopkins Genomics, Johns Hopkins University); PubMed 17850636 (cited by Women's Health and Genetics/Laboratory Corporation of America, LabCorp); PubMed 11504857 (cited by Women's Health and Genetics/Laboratory Corporation of America, LabCorp); PubMed 11278813 (cited by Women's Health and Genetics/Laboratory Corporation of America, LabCorp); PubMed 28603918 (cited by Women's Health and Genetics/Laboratory Corporation of America, LabCorp).

NM_000492.4(CFTR):c.3380G>A (p.Gly1127Glu)

Genes: CFTR (CF transmembrane conductance regulator; plus strand), CFTR-AS2 (CFTR antisense RNA 2; minus strand). Cytogenetic location: 7q31.2.
Variant type: single nucleotide variant.
Coding change: c.3380G>A on transcript NM_000492.4 (MANE Select); coding-DNA position 3380, G replaced by A.
Protein change: p.Gly1127Glu; replaces glycine 1127 with glutamic acid.
Molecular consequence: missense variant.
Genome position (GRCh38, 1-based): chr7:117,614,625, G>A. VCF-style: chr7-117614625-G-A. GRCh37 (hg19) VCF-style: chr7-117254679-G-A.
Other names: short protein forms G1127E.
Identifiers: ClinVar variation 551560 (VCV000551560.15), dbSNP rs1434504483, ClinGen allele CA368993314.